The following is an entry in ClinVar:

NM_000155.4(GALT):c.731C>T (p.Pro244Leu)

Gene: GALT (galactose-1-phosphate uridylyltransferase; plus strand). Cytogenetic location: 9p13.3.
Variant type: single nucleotide variant.
Coding change: c.731C>T on transcript NM_000155.4 (MANE Select); coding-DNA position 731, C replaced by T.
Protein change: p.Pro244Leu; replaces proline 244 with leucine.
Molecular consequence: missense variant.
Genome position (GRCh38, 1-based): chr9:34,648,805, C>T. VCF-style: chr9-34648805-C-T. GRCh37 (hg19) VCF-style: chr9-34648802-C-T.
Other names: c.404C>T, p.Pro135Leu (NM_001258332.2); short protein forms P135L, P244L.
Identifiers: ClinVar variation 4848914 (VCV004848914.2).

ClinVar aggregate classification (germline): Uncertain significance (1 of 4 stars; one submission).

gnomAD v4.1: 2 of 1,613,458 alleles (0.00012%); highest among the groups gnomAD compares: Non-Finnish European, 0.00017%; no homozygotes.

Submission:

Women's Health and Genetics/Laboratory Corporation of America, LabCorp
Classification: Uncertain significance. Last evaluated: 2026-04-03. Review status: criteria provided, single submitter. Criteria: LabCorp Variant Classification Summary - May 2015. Collection method: clinical testing. Allele origin: germline.
Comment: Variant summary: GALT c.731C>T (p.Pro244Leu) results in a non-conservative amino acid change in the encoded protein sequence. Algorithms developed to predict the effect of missense changes on protein structure and function all suggest that this variant is likely to be disruptive. The variant was absent in 251030 control chromosomes. The available data on variant occurrences in the general population are insufficient to allow any conclusion about variant significance. To our knowledge, no occurrence of c.731C>T in individuals affected with GALT-related conditions and no experimental evidence demonstrating its impact on protein function have been reported. No submitters have cited clinical-significance assessments for this variant to ClinVar. Based on the evidence outlined above, the variant was classified as uncertain significance.